The following is an entry in ClinVar:

NM_015466.4(PTPN23):c.2780G>A (p.Gly927Glu)

Gene: PTPN23 (protein tyrosine phosphatase non-receptor type 23; plus strand). Cytogenetic location: 3p21.31.
Variant type: single nucleotide variant.
Coding change: c.2780G>A on transcript NM_015466.4 (MANE Select); coding-DNA position 2780, G replaced by A.
Protein change: p.Gly927Glu; replaces glycine 927 with glutamic acid.
Molecular consequence: missense variant.
Genome position (GRCh38, 1-based): chr3:47,410,578, G>A. VCF-style: chr3-47410578-G-A. GRCh37 (hg19) VCF-style: chr3-47452068-G-A.
Other names: c.2402G>A, p.Gly801Glu (NM_001304482.2); c.2780G>A (NM_015466.2); short protein forms G927E, G801E.
Identifiers: ClinVar variation 1512773 (VCV001512773.6), dbSNP rs148096792, ClinGen allele CA2366124.

ClinVar aggregate classification (germline): Uncertain significance. Review status: criteria provided, multiple submitters, no conflicts (2 of 4 stars). 2 submissions from 2 submitters: Uncertain significance (2). Last evaluated 2025-05-04.

Conditions:
Inborn genetic diseases. Identifiers: MedGen C0950123, MeSH D030342.

Allele frequency attached by ClinVar (database versions not stated): ESP Exome Variant Server 0.00008; ExAC 0.00010; gnomAD 0.00013; gnomAD exomes 0.00009 and 0.00012.
gnomAD v4.1: 194 of 1,611,614 alleles (0.012%); highest among the groups gnomAD compares: Middle Eastern, 0.016%; no homozygotes.

Submissions (2):

Ambry Genetics
Classification: Uncertain significance for Inborn genetic diseases. Last evaluated: 2025-05-04. Review status: criteria provided, single submitter. Criteria: Ambry Variant Classification Scheme 2023. Collection method: clinical testing. Allele origin: germline.

Labcorp Genetics (formerly Invitae), Labcorp
Classification: Uncertain significance. Last evaluated: 2024-10-22. Review status: criteria provided, single submitter. Criteria: Invitae Variant Classification Sherloc (09022015). Collection method: clinical testing. Allele origin: germline.
Comment: This sequence change replaces glycine, which is neutral and non-polar, with glutamic acid, which is acidic and polar, at codon 927 of the PTPN23 protein (p.Gly927Glu). This variant is present in population databases (rs148096792, gnomAD 0.02%). This variant has not been reported in the literature in individuals affected with PTPN23-related conditions. ClinVar contains an entry for this variant (Variation ID: 1512773). Experimental studies and prediction algorithms are not available or were not evaluated, and the functional significance of this variant is currently unknown. In summary, the available evidence is currently insufficient to determine the role of this variant in disease. Therefore, it has been classified as a Variant of Uncertain Significance.